The following is an entry in ClinVar:

ClinVar aggregate classification (germline): Uncertain significance. Review status: criteria provided, single submitter (1 of 4 stars). 2 submissions from 2 submitters: Uncertain significance (1). 1 of the submissions does not count toward it. Last evaluated 2021-09-01.

Conditions:
Cerebral creatine deficiency syndrome. Also called: Creatine deficiency syndromes. Identifiers: Orphanet 79172, MedGen C5244016, MONDO:0000456.
Deficiency of guanidinoacetate methyltransferase (CCDS2). Also called: GAMT DEFICIENCY; CEREBRAL CREATINE DEFICIENCY SYNDROME 2; Guanidinoacetate Methyltransferase (GAMT) Deficiency. Identifiers: Orphanet 382, MedGen C0574080, MONDO:0012999, OMIM 612736.

Allele frequency attached by ClinVar (database versions not stated): ExAC 0.00001; gnomAD 0.00001; gnomAD exomes below 0.00001; TOPMed 0.00001.
gnomAD v4.1: 2 of 1,613,654 alleles (0.00012%); highest among the groups gnomAD compares: African/African-American, 0.0013%; no homozygotes.

Submissions (2):

Labcorp Genetics (formerly Invitae), Labcorp
Classification: Uncertain significance for Cerebral creatine deficiency syndrome. Last evaluated: 2021-09-01. Review status: criteria provided, single submitter. Criteria: Invitae Variant Classification Sherloc (09022015). Collection method: clinical testing. Allele origin: germline.
Comment: This sequence change replaces threonine with isoleucine at codon 143 of the GAMT protein (p.Thr143Ile). The threonine residue is moderately conserved and there is a moderate physicochemical difference between threonine and isoleucine. This variant is present in population databases (rs746251691, ExAC 0.01%). This variant has not been reported in the literature in individuals affected with GAMT-related conditions. Algorithms developed to predict the effect of missense changes on protein structure and function are either unavailable or do not agree on the potential impact of this missense change (SIFT: "Deleterious"; PolyPhen-2: "Possibly Damaging"; Align-GVGD: "Class C0"). In summary, the available evidence is currently insufficient to determine the role of this variant in disease. Therefore, it has been classified as a Variant of Uncertain Significance.

Natera, Inc.
Classification: Uncertain significance for Guanidinoacetate methyltransferase deficiency. Last evaluated: 2025-05-01. Review status: no assertion criteria provided. Collection method: clinical testing. Allele origin: germline. Not counted in ClinVar's aggregate classification.

NM_000156.6(GAMT):c.428C>T (p.Thr143Ile)

Gene: GAMT (guanidinoacetate N-methyltransferase; minus strand). Cytogenetic location: 19p13.3.
Variant type: single nucleotide variant.
Coding change: c.428C>T on transcript NM_000156.6 (MANE Select); coding-DNA position 428, C replaced by T.
Protein change: p.Thr143Ile; replaces threonine 143 with isoleucine.
Molecular consequence: missense variant.
Genome position (GRCh38, 1-based): chr19:1,399,159, G>A on the plus strand (C>T on the coding strand, the complement: GAMT is on the minus strand). VCF-style: chr19-1399159-G-A. GRCh37 (hg19) VCF-style: chr19-1399158-G-A.
Other names: c.428C>T (NM_000156.5); c.428C>T, p.Thr143Ile (NM_138924.3); short protein forms T143I.
Identifiers: ClinVar variation 1476786 (VCV001476786.6), dbSNP rs746251691, ClinGen allele CA9043663.
Genomic context (GRCh38, chr19:1,399,159, plus strand): 5'-CCGCATCCCAGCAAGTCAGAGAGAACCACCTTGATGAAGTTGAACTGGTGTGTGTGCCAG[G>A]TCTCCTCCGAGAGTGGGTACGTGTCGTACAGGATCCCTGCACGGAGAACAGAAGCCCACG-3'
Protein context (NP_000147.1, residues 133-153): LYDTYPLSEE[Thr143Ile]WHTHQFNFIK